The following is an entry in ClinVar:

ClinVar aggregate classification (germline): Conflicting classifications of pathogenicity. Review status: criteria provided, conflicting classifications (1 of 4 stars). 2 submissions from 2 submitters: Uncertain significance (1); Likely benign (1). Last evaluated 2025-02-18.

Conditions:
EGFR-related lung cancer (EGFR). Identifiers: MedGen CN130014.
Hereditary cancer-predisposing syndrome. Also called: Neoplastic Syndromes, Hereditary; Hereditary neoplastic syndrome; Tumor predisposition; Hereditary Cancer Syndrome. Identifiers: Orphanet 140162, MedGen C0027672, MeSH D009386, MONDO:0015356.

Allele frequency attached by ClinVar (database versions not stated): gnomAD exomes below 0.00001.
gnomAD v4.1: 4 of 1,614,176 alleles (0.00025%); highest among the groups gnomAD compares: Middle Eastern, 0.016%; no homozygotes.

Submissions (2):

Ambry Genetics
Classification: Likely benign for Hereditary cancer-predisposing syndrome. Last evaluated: 2025-02-18. Review status: criteria provided, single submitter. Criteria: Ambry Variant Classification Scheme 2023. Collection method: clinical testing. Allele origin: germline.

Labcorp Genetics (formerly Invitae), Labcorp
Classification: Uncertain significance for EGFR-related lung cancer. Last evaluated: 2025-02-04. Review status: criteria provided, single submitter. Criteria: Invitae Variant Classification Sherloc (09022015). Collection method: clinical testing. Allele origin: germline.
Comment: This sequence change replaces asparagine, which is neutral and polar, with aspartic acid, which is acidic and polar, at codon 473 of the EGFR protein (p.Asn473Asp). This variant is present in population databases (no rsID available, gnomAD 0.0009%). This variant has not been reported in the literature in individuals affected with EGFR-related conditions. ClinVar contains an entry for this variant (Variation ID: 2886390). Invitae Evidence Modeling of protein sequence and biophysical properties (such as structural, functional, and spatial information, amino acid conservation, physicochemical variation, residue mobility, and thermodynamic stability) indicates that this missense variant is not expected to disrupt EGFR protein function with a negative predictive value of 80%. In summary, the available evidence is currently insufficient to determine the role of this variant in disease. Therefore, it has been classified as a Variant of Uncertain Significance.

NM_005228.5(EGFR):c.1417A>G (p.Asn473Asp)

Gene: EGFR (epidermal growth factor receptor; plus strand). Cytogenetic location: 7p11.2.
Variant type: single nucleotide variant.
Coding change: c.1417A>G on transcript NM_005228.5 (MANE Select); coding-DNA position 1417, A replaced by G.
Protein change: p.Asn473Asp; replaces asparagine 473 with aspartic acid.
Molecular consequence: missense variant.
Genome position (GRCh38, 1-based): chr7:55,160,257, A>G. VCF-style: chr7-55160257-A-G. GRCh37 (hg19) VCF-style: chr7-55227950-A-G.
Other names: c.1282A>G, p.Asn428Asp (NM_001346897.2, NM_001346899.2); c.1417A>G, p.Asn473Asp (NM_001346898.2, NM_201282.2, NM_201284.2); c.1258A>G, p.Asn420Asp (NM_001346900.2); c.616A>G, p.Asn206Asp (NM_001346941.2); short protein forms N473D, N206D, N420D, N428D.
Identifiers: ClinVar variation 2886390 (VCV002886390.4), dbSNP rs1389684767, ClinGen allele CA367579562.